The following is an entry in ClinVar:

ClinVar aggregate classification (germline): Uncertain significance (1 of 4 stars; one submission).

Conditions:
Jeune thoracic dystrophy. Also called: Jeune syndrome; Infantile thoracic dystrophy; Thoracic pelvic phalangeal dystrophy; Jeune's syndrome; Chondroectodermal dysplasia-like syndrome; Short-rib thoracic dysplasia. Identifiers: Orphanet 474, MedGen C0265275, MONDO:0018770.

Allele frequency attached by ClinVar (database versions not stated): TOPMed 0.00001.

Submission:

Labcorp Genetics (formerly Invitae), Labcorp
Classification: Uncertain significance for Jeune thoracic dystrophy. Last evaluated: 2019-06-15. Review status: criteria provided, single submitter. Criteria: Invitae Variant Classification Sherloc (09022015). Collection method: clinical testing. Allele origin: germline.
Comment: In summary, the available evidence is currently insufficient to determine the role of this variant in disease. Therefore, it has been classified as a Variant of Uncertain Significance. Algorithms developed to predict the effect of missense changes on protein structure and function are either unavailable or do not agree on the potential impact of this missense change (SIFT: "Deleterious"; PolyPhen-2: "Benign"; Align-GVGD: "Class C15"). This variant has not been reported in the literature in individuals with DYNC2H1-related conditions. This variant is not present in population databases (ExAC no frequency). This sequence change replaces serine with leucine at codon 544 of the DYNC2H1 protein (p.Ser544Leu). The serine residue is highly conserved and there is a large physicochemical difference between serine and leucine.

NM_001377.3(DYNC2H1):c.1631C>T (p.Ser544Leu)

Gene: DYNC2H1 (dynein cytoplasmic 2 heavy chain 1; plus strand). Cytogenetic location: 11q22.3.
Variant type: single nucleotide variant.
Coding change: c.1631C>T on transcript NM_001377.3 (MANE Select); coding-DNA position 1631, C replaced by T.
Protein change: p.Ser544Leu; replaces serine 544 with leucine.
Molecular consequence: missense variant.
Genome position (GRCh38, 1-based): chr11:103,122,970, C>T. VCF-style: chr11-103122970-C-T. GRCh37 (hg19) VCF-style: chr11-102993699-C-T.
Other names: c.1631C>T, p.Ser544Leu (NM_001080463.2); short protein forms S544L.
Identifiers: ClinVar variation 946226 (VCV000946226.9), dbSNP rs1858796228, ClinGen allele CA382253640.
Genomic context (GRCh38, chr11:103,122,970, plus strand): 5'-TAGACCAGCTTAAACTATATGAACAGGAACAATTTGATGATTGGTCCAGGGATATTCAAT[C>T]AGGTTTATCTGATTCCAGATCTGGTTTGTGGTAAGTATAGATATATTAAACTGTAAAATC-3'
Protein context (NP_001368.2, residues 534-554): QFDDWSRDIQ[Ser544Leu]GLSDSRSGLC